The following is an entry in ClinVar:

ClinVar aggregate classification (germline): Likely benign. Review status: criteria provided, single submitter (1 of 4 stars). 2 submissions from 2 submitters: Likely benign (1). 1 of the submissions does not count toward it. Last evaluated 2024-10-13.

Conditions:
ALG1-related disorder. Also called: ALG1-related condition.
ALG1-congenital disorder of glycosylation. Also called: CONGENITAL DISORDER OF GLYCOSYLATION, TYPE Ik; CDG Ik; ALG1-CDG. Identifiers: Orphanet 79327, MedGen C2931005, MONDO:0012052, OMIM 608540.

Allele frequency attached by ClinVar (database versions not stated): gnomAD exomes below 0.00001; TOPMed below 0.00001; ExAC 0.00001; gnomAD 0.00001.

Submissions (2):

Labcorp Genetics (formerly Invitae), Labcorp
Classification: Likely benign for ALG1-congenital disorder of glycosylation. Last evaluated: 2024-10-13. Review status: criteria provided, single submitter. Criteria: Invitae Variant Classification Sherloc (09022015). Collection method: clinical testing. Allele origin: germline.

PreventionGenetics, part of Exact Sciences
Classification: Likely benign for ALG1-related condition. Last evaluated: 2022-08-05. Review status: no assertion criteria provided. Collection method: clinical testing. Allele origin: germline. Not counted in ClinVar's aggregate classification.
Comment: This variant is classified as likely benign based on ACMG/AMP sequence variant interpretation guidelines (Richards et al. 2015 PMID: 25741868, with internal and published modifications).

NM_019109.5(ALG1):c.792T>C (p.Asp264=)

Gene: ALG1 (ALG1 chitobiosyldiphosphodolichol beta-mannosyltransferase; plus strand). Cytogenetic location: 16p13.3.
Variant type: single nucleotide variant.
Coding change: c.792T>C on transcript NM_019109.5 (MANE Select); coding-DNA position 792, T replaced by C.
Protein change: p.Asp264=; no amino-acid change (aspartic acid 264 retained).
Molecular consequence: synonymous variant.
Genome position (GRCh38, 1-based): chr16:5,078,808, T>C. VCF-style: chr16-5078808-T-C. GRCh37 (hg19) VCF-style: chr16-5128809-T-C.
Other names: c.792T>C (NM_019109.4); c.459T>C, p.Asp153= (NM_001330504.2).
Identifiers: ClinVar variation 2717077 (VCV002717077.5), dbSNP rs754609410, ClinGen allele CA7890020.